The following is an entry in ClinVar:

ClinVar aggregate classification (germline): Uncertain significance (1 of 4 stars; one submission).

Allele frequency attached by ClinVar (database versions not stated): gnomAD 0.00001; gnomAD exomes 0.00001.
gnomAD v4.1: 10 of 1,550,672 alleles (0.00064%); highest among the groups gnomAD compares: Non-Finnish European, 0.00087%; no homozygotes.

Submission:

Labcorp Genetics (formerly Invitae), Labcorp
Classification: Uncertain significance. Last evaluated: 2022-09-27. Review status: criteria provided, single submitter. Criteria: Invitae Variant Classification Sherloc (09022015). Collection method: clinical testing. Allele origin: germline.
Comment: This variant is present in population databases (rs760804559, gnomAD 0.003%). This variant has not been reported in the literature in individuals affected with CDSN-related conditions. Advanced modeling of protein sequence and biophysical properties (such as structural, functional, and spatial information, amino acid conservation, physicochemical variation, residue mobility, and thermodynamic stability) performed at Invitae indicates that this missense variant is expected to disrupt CDSN protein function. In summary, the available evidence is currently insufficient to determine the role of this variant in disease. Therefore, it has been classified as a Variant of Uncertain Significance. This sequence change replaces isoleucine, which is neutral and non-polar, with leucine, which is neutral and non-polar, at codon 35 of the CDSN protein (p.Ile35Leu).

NM_001264.5(CDSN):c.103A>C (p.Ile35Leu)

Genes: CDSN (corneodesmosin; minus strand), PSORS1C1 (psoriasis susceptibility 1 candidate 1; plus strand). Cytogenetic location: 6p21.33.
Variant type: single nucleotide variant.
Coding change: c.103A>C on transcript NM_001264.5 (MANE Select); coding-DNA position 103, A replaced by C.
Protein change: p.Ile35Leu; replaces isoleucine 35 with leucine.
Molecular consequence: missense variant. On other transcripts: intron variant (1).
Genome position (GRCh38, 1-based): chr6:31,117,512, T>G on the plus strand (A>C on the coding strand, the complement: CDSN is on the minus strand). VCF-style: chr6-31117512-T-G. GRCh37 (hg19) VCF-style: chr6-31085289-T-G.
Other names: c.-229+2621T>G (NM_014068.3); short protein forms I35L.
Identifiers: ClinVar variation 1901301 (VCV001901301.5), dbSNP rs760804559, ClinGen allele CA3708559.